The following is an entry in ClinVar:

NM_032387.5(WNK4):c.3619C>G (p.Pro1207Ala)

Gene: WNK4 (WNK lysine deficient protein kinase 4; plus strand). Cytogenetic location: 17q21.2.
Variant type: single nucleotide variant.
Coding change: c.3619C>G on transcript NM_032387.5 (MANE Select); coding-DNA position 3619, C replaced by G.
Protein change: p.Pro1207Ala; replaces proline 1207 with alanine.
Molecular consequence: missense variant.
Genome position (GRCh38, 1-based): chr17:42,796,310, C>G. VCF-style: chr17-42796310-C-G. GRCh37 (hg19) VCF-style: chr17-40948328-C-G.
Other names: c.2611C>G, p.Pro871Ala (NM_001321299.2); short protein forms P1207A, P871A.
Identifiers: ClinVar variation 4809496 (VCV004809496.1).

ClinVar aggregate classification (germline): Uncertain significance (1 of 4 stars; one submission).

Submission:

Labcorp Genetics (formerly Invitae), Labcorp
Classification: Uncertain significance. Last evaluated: 2025-06-16. Review status: criteria provided, single submitter. Criteria: Invitae Variant Classification Sherloc (09022015). Collection method: clinical testing. Allele origin: germline.
Comment: This sequence change replaces proline, which is neutral and non-polar, with alanine, which is neutral and non-polar, at codon 1207 of the WNK4 protein (p.Pro1207Ala). This variant is not present in population databases (gnomAD no frequency). This variant has not been reported in the literature in individuals affected with WNK4-related conditions. Invitae Evidence Modeling of protein sequence and biophysical properties (such as structural, functional, and spatial information, amino acid conservation, physicochemical variation, residue mobility, and thermodynamic stability) indicates that this missense variant is not expected to disrupt WNK4 protein function with a negative predictive value of 95%. In summary, the available evidence is currently insufficient to determine the role of this variant in disease. Therefore, it has been classified as a Variant of Uncertain Significance.